The following is an entry in ClinVar:

ClinVar aggregate classification (germline): Likely pathogenic (1 of 4 stars; one submission).

Conditions:
Pitt-Hopkins syndrome (PTHS). Also called: ENCEPHALOPATHY, SEVERE EPILEPTIC, WITH AUTONOMIC DYSFUNCTION; MENTAL RETARDATION, SYNDROMAL, WITH INTERMITTENT HYPERVENTILATION. Identifiers: Orphanet 2896, MedGen C1970431, MONDO:0012589, OMIM 610954.

Submission:

3billion
Classification: Likely pathogenic for Pitt-Hopkins syndrome. Last evaluated: 2021-10-02. Review status: criteria provided, single submitter. Criteria: ACMG Guidelines, 2015. Collection method: clinical testing. Allele origin: germline. Affected: yes. Observed: 1 heterozygote.
Comment: Frameshift: predicted to result in a loss or disruption of normal protein function through nonsense-mediated decay (NMD) or protein truncation. Multiple pathogenic variants are reported downstream of the variant (PVS1_VS). It is not observed in the gnomAD v2.1.1 dataset (PM2). Therefore, this variant is classified as likely pathogenic according to the recommendation of ACMG/AMP guideline.

NM_001083962.2(TCF4):c.560dup (p.Ser188fs)

Gene: TCF4 (transcription factor 4; minus strand). Cytogenetic location: 18q21.2.
Variant type: Duplication.
Coding change: c.560dup on transcript NM_001083962.2 (MANE Select); coding-DNA position 560, one base duplicated (C; older notation c.560dupC).
Protein change: p.Ser188fs; shifts the reading frame from serine 188.
Molecular consequence: frameshift variant. On other transcripts: 5 prime UTR variant (1).
Genome position (GRCh38, 1-based): chr18:55,279,646, G duplicated on the plus strand (C on the coding strand, the reverse complement: TCF4 is on the minus strand); the first of 2 consecutive G bases (chr18:55,279,646-55,279,647); duplicating either gives the same sequence. VCF-style (leftmost placement, unchanged base first): chr18-55279645-T-TG. GRCh37 (hg19) VCF-style: chr18-52946876-T-TG.
Other names: c.866dup, p.Ser290fs (NM_001243226.3); c.488dup, p.Ser164fs (NM_001243227.2, NM_001306207.1, NM_001348217.1 and 9 more transcripts); c.578dup, p.Ser194fs (NM_001243228.2); c.554dup, p.Ser186fs (NM_001243230.2); c.434dup, p.Ser146fs (NM_001243231.2, NM_001348211.2); c.347dup, p.Ser117fs (NM_001243232.1, NM_001306208.1); c.170dup, p.Ser58fs (NM_001243233.2, NM_001330605.3, NM_001348212.2 and 1 more transcripts); c.80dup, p.Ser28fs (NM_001243234.2, NM_001243235.2, NM_001243236.2 and 2 more transcripts); and 4 more; short protein forms S117fs, S146fs, S163fs, S164fs, S186fs, S187fs, S188fs, S194fs.
Identifiers: ClinVar variation 1320171 (VCV001320171.1), dbSNP rs2146265828, ClinGen allele CA2573054685.